The following is an entry in ClinVar:

NM_001371596.2(MFSD8):c.754+1G>A

Gene: MFSD8 (major facilitator superfamily domain containing 8; minus strand). Cytogenetic location: 4q28.2.
Variant type: single nucleotide variant.
Coding change: c.754+1G>A on transcript NM_001371596.2 (MANE Select); the canonical splice donor site of the intron after coding-DNA position 754, G replaced by A.
Molecular consequence: splice donor variant. On other transcripts: intron variant (3).
Genome position (GRCh38, 1-based): chr4:127,938,782, C>T on the plus strand (G>A on the coding strand, the complement: MFSD8 is on the minus strand). VCF-style: chr4-127938782-C-T. GRCh37 (hg19) VCF-style: chr4-128859937-C-T.
Other names: c.619+1G>A (NM_001371590.2); c.754+1G>A (NM_152778.4, NM_001371591.2); c.439+4970G>A (NM_001363521.3); c.640+1G>A (NM_001410766.1, NM_001371593.2); c.553+3263G>A (NM_001363520.3); c.607+1G>A (NM_001371594.2); c.760+1G>A (NM_001371592.2); c.472+1G>A (NM_001371595.1); and 1 more.
Identifiers: ClinVar variation 872266 (VCV000872266.51), dbSNP rs868732642, ClinGen allele CA358175160.

ClinVar aggregate classification (germline): Pathogenic/Likely pathogenic. Review status: criteria provided, multiple submitters, no conflicts (2 of 4 stars). 5 submissions from 5 submitters: Pathogenic (4); Likely pathogenic (1). Last evaluated 2024-06-21.

Conditions:
Late-infantile neuronal ceroid lipofuscinosis. Also called: Jansky-Bielschowsky disease. Identifiers: MedGen C0022340, MONDO:0015674.
Neuronal ceroid lipofuscinosis 7 (CLN7). Also called: MFSD8-Related Neuronal Ceroid-Lipofuscinosis. Identifiers: Orphanet 168491, Orphanet 228366, MedGen C1838571, MONDO:0012588, OMIM 610951.
Macular dystrophy with central cone involvement (CCMD). Identifiers: MedGen C4015371, MONDO:0014515, OMIM 616170.

Allele frequency attached by ClinVar (database versions not stated): gnomAD exomes below 0.00001.
gnomAD v4.1: 2 of 1,606,360 alleles (0.00012%); highest among the groups gnomAD compares: East Asian, 0.0022%; no homozygotes.

Submissions (5):

Natera, Inc.
Classification: Pathogenic for Late-infantile neuronal ceroid lipofuscinosis. Last evaluated: 2024-06-21. Review status: criteria provided, single submitter. Criteria: Natera Variant Classification Schema (03/2026). Collection method: clinical testing. Allele origin: germline.
Comment: The c.754+1G>A variant in MFSD8 is a canonical splice donor site variant predicted to affect pre-mRNA splicing, which may result in an abnormal transcript and altered protein product. This variant is expected to result in nonsense mediated decay, truncation, or a dysfunctional protein product. This variant is rare in the general population with a frequency below the threshold expected for the associated phenotype(s). Another variant at this same site results in an alteration predicted to cause a similar molecular effect has been observed in individual(s) with the associated phenotype. Given the available evidence, this variant is classified as Pathogenic.

Fulgent Genetics
Classification: Likely pathogenic for Neuronal ceroid lipofuscinosis 7; Macular dystrophy with central cone involvement. Last evaluated: 2024-05-30. Review status: criteria provided, single submitter. Criteria: ACMG Guidelines, 2015. Collection method: clinical testing. Allele origin: germline.

Labcorp Genetics (formerly Invitae), Labcorp
Classification: Pathogenic for Neuronal ceroid lipofuscinosis 7. Last evaluated: 2023-09-29. Review status: criteria provided, single submitter. Criteria: Invitae Variant Classification Sherloc (09022015). Collection method: clinical testing. Allele origin: germline.
Comment: This sequence change affects a donor splice site in intron 8 of the MFSD8 gene. It is expected to disrupt RNA splicing. Variants that disrupt the donor or acceptor splice site typically lead to a loss of protein function (PMID: 16199547), and loss-of-function variants in MFSD8 are known to be pathogenic (PMID: 19177532, 25227500, 28586915). For these reasons, this variant has been classified as Pathogenic. Algorithms developed to predict the effect of sequence changes on RNA splicing suggest that this variant may disrupt the consensus splice site. ClinVar contains an entry for this variant (Variation ID: 872266). Disruption of this splice site has been observed in individuals with variant late-infantile neuronal ceroid lipofuscinosis (vLINCL) (PMID: 17564970, 19201763, 21990111). It has also been observed to segregate with disease in related individuals. This variant is present in population databases (no rsID available, gnomAD 0.006%).

Institute of Human Genetics, University of Leipzig Medical Center
Classification: Pathogenic for Macular dystrophy with central cone involvement. Last evaluated: 2020-11-30. Review status: criteria provided, single submitter. Criteria: ACMG Guidelines, 2015. Collection method: clinical testing. Allele origin: unknown. Affected: yes.
Comment: This variant was identified as homozygous.

CeGaT Center for Human Genetics Tuebingen
Classification: Pathogenic. Last evaluated: 2020-03-01. Review status: criteria provided, single submitter. Criteria: CeGaT Center For Human Genetics Tuebingen Variant Classification Criteria Version 2. Collection method: clinical testing. Allele origin: germline. Affected: yes. Observed: 2 variant alleles.

Literature cited by the submitters: PubMed 16199547 (cited by Labcorp Genetics (formerly Invitae), Labcorp); PubMed 19177532 (cited by Labcorp Genetics (formerly Invitae), Labcorp); PubMed 25227500 (cited by Labcorp Genetics (formerly Invitae), Labcorp); PubMed 28586915 (cited by Labcorp Genetics (formerly Invitae), Labcorp); PubMed 17564970 (cited by Labcorp Genetics (formerly Invitae), Labcorp); PubMed 19201763 (cited by Labcorp Genetics (formerly Invitae), Labcorp); PubMed 21990111 (cited by Labcorp Genetics (formerly Invitae), Labcorp).